The following is an entry in ClinVar:

NM_001875.5(CPS1):c.972T>G (p.Asn324Lys)

Gene: CPS1 (carbamoyl-phosphate synthase 1; plus strand). Cytogenetic location: 2q34.
Variant type: single nucleotide variant.
Coding change: c.972T>G on transcript NM_001875.5 (MANE Select); coding-DNA position 972, T replaced by G.
Protein change: p.Asn324Lys; replaces asparagine 324 with lysine.
Molecular consequence: missense variant. On other transcripts: non-coding transcript variant (1).
Genome position (GRCh38, 1-based): chr2:210,591,855, T>G. VCF-style: chr2-210591855-T-G. GRCh37 (hg19) VCF-style: chr2-211456579-T-G.
Other names: c.972T>G, p.Asn324Lys (NM_001122633.3, NM_001369257.1); c.1005T>G, p.Asn335Lys (NM_001369256.1); short protein forms N324K, N335K.
Identifiers: ClinVar variation 2200191 (VCV002200191.4), dbSNP rs200158685, ClinGen allele CA2086213.

ClinVar aggregate classification (germline): Uncertain significance. Review status: criteria provided, multiple submitters, no conflicts (2 of 4 stars). 2 submissions from 2 submitters: Uncertain significance (2). Last evaluated 2024-10-24.

Conditions:
Congenital hyperammonemia, type I. Also called: Carbamoyl phosphate synthetase I deficiency disease; Carbamoyl-phosphate synthase I deficiency; CPS I DEFICIENCY; Carbamoyl phosphate synthetase 1 deficiency; Hyperammonemia due to carbamoyl phosphate synthetase 1 deficiency; CPS 1 deficiency. Identifiers: Orphanet 147, MedGen C4082171, MONDO:0009376, OMIM 237300.
Inborn genetic diseases. Identifiers: MedGen C0950123, MeSH D030342.

Allele frequency attached by ClinVar (database versions not stated): ExAC 0.00002; gnomAD exomes 0.00002; gnomAD 0.00003; TOPMed 0.00004.
gnomAD v4.1: 26 of 1,612,426 alleles (0.0016%); highest among the groups gnomAD compares: Non-Finnish European, 0.0022%; no homozygotes.

Submissions (2):

Labcorp Genetics (formerly Invitae), Labcorp
Classification: Uncertain significance for Congenital hyperammonemia, type I. Last evaluated: 2024-10-24. Review status: criteria provided, single submitter. Criteria: Invitae Variant Classification Sherloc (09022015). Collection method: clinical testing. Allele origin: germline.
Comment: This sequence change replaces asparagine, which is neutral and polar, with lysine, which is basic and polar, at codon 324 of the CPS1 protein (p.Asn324Lys). This variant is present in population databases (rs200158685, gnomAD 0.008%). This variant has not been reported in the literature in individuals affected with CPS1-related conditions. ClinVar contains an entry for this variant (Variation ID: 2200191). Invitae Evidence Modeling of protein sequence and biophysical properties (such as structural, functional, and spatial information, amino acid conservation, physicochemical variation, residue mobility, and thermodynamic stability) indicates that this missense variant is not expected to disrupt CPS1 protein function with a negative predictive value of 95%. In summary, the available evidence is currently insufficient to determine the role of this variant in disease. Therefore, it has been classified as a Variant of Uncertain Significance.

Ambry Genetics
Classification: Uncertain significance for Inborn genetic diseases. Last evaluated: 2024-08-14. Review status: criteria provided, single submitter. Criteria: Ambry Variant Classification Scheme 2023. Collection method: clinical testing. Allele origin: germline.